The following is an entry in ClinVar:

NM_000038.6(APC):c.3046G>T (p.Asp1016Tyr)

Gene: APC (APC regulator of Wnt signaling pathway; plus strand). Cytogenetic location: 5q22.2.
Variant type: single nucleotide variant.
Coding change: c.3046G>T on transcript NM_000038.6 (MANE Select); coding-DNA position 3046, G replaced by T.
Protein change: p.Asp1016Tyr; replaces aspartic acid 1016 with tyrosine.
Molecular consequence: missense variant.
Genome position (GRCh38, 1-based): chr5:112,838,640, G>T. VCF-style: chr5-112838640-G-T. GRCh37 (hg19) VCF-style: chr5-112174337-G-T.
Other names: c.3046G>T, p.Asp1016Tyr (NM_001127510.3, NM_001354895.2); c.2992G>T, p.Asp998Tyr (NM_001127511.3); c.3100G>T, p.Asp1034Tyr (NM_001354896.2); c.3076G>T, p.Asp1026Tyr (NM_001354897.2); c.2971G>T, p.Asp991Tyr (NM_001354898.2); c.2962G>T, p.Asp988Tyr (NM_001354899.2); c.2923G>T, p.Asp975Tyr (NM_001354900.2); c.2869G>T, p.Asp957Tyr (NM_001354901.2); and 5 more; short protein forms D1016Y, D1026Y, D1034Y, D733Y, D856Y, D890Y, D915Y, D925Y.
Identifiers: ClinVar variation 1315725 (VCV001315725.8), dbSNP rs1765323229, ClinGen allele CA16028002.

ClinVar aggregate classification (germline): Uncertain significance. Review status: criteria provided, multiple submitters, no conflicts (2 of 4 stars). 3 submissions from 3 submitters: Uncertain significance (3). Last evaluated 2022-09-26.

Conditions:
Hereditary cancer-predisposing syndrome. Also called: Hereditary neoplastic syndrome; Neoplastic Syndromes, Hereditary; Tumor predisposition; Hereditary Cancer Syndrome. Identifiers: Orphanet 140162, MedGen C0027672, MeSH D009386, MONDO:0015356.
Familial adenomatous polyposis 1 (FAP1). Also called: POLYPOSIS, ADENOMATOUS INTESTINAL; FAMILIAL ADENOMATOUS POLYPOSIS 1, ATTENUATED. Identifiers: MedGen C2713442, MONDO:0021056, OMIM 175100. Disease mechanism: loss of function.

Submissions (3):

Ambry Genetics
Classification: Uncertain significance for Hereditary cancer-predisposing syndrome. Last evaluated: 2022-09-26. Review status: criteria provided, single submitter. Criteria: Ambry Variant Classification Scheme 2023. Collection method: clinical testing. Allele origin: germline.
Comment: The p.D1016Y variant (also known as c.3046G>T), located in coding exon 15 of the APC gene, results from a G to T substitution at nucleotide position 3046. The aspartic acid at codon 1016 is replaced by tyrosine, an amino acid with highly dissimilar properties. This amino acid position is highly conserved in available vertebrate species. In addition, in silico predictors for this gene do not accurately predict pathogenicity. Since supporting evidence is limited at this time, the clinical significance of this alteration remains unclear.

Labcorp Genetics (formerly Invitae), Labcorp
Classification: Uncertain significance for Familial adenomatous polyposis 1. Last evaluated: 2022-03-21. Review status: criteria provided, single submitter. Criteria: Invitae Variant Classification Sherloc (09022015). Collection method: clinical testing. Allele origin: germline.
Comment: This sequence change replaces aspartic acid, which is acidic and polar, with tyrosine, which is neutral and polar, at codon 1016 of the APC protein (p.Asp1016Tyr). This variant is not present in population databases (gnomAD no frequency). This variant has not been reported in the literature in individuals affected with APC-related conditions. ClinVar contains an entry for this variant (Variation ID: 1315725). Algorithms developed to predict the effect of missense changes on protein structure and function (SIFT, PolyPhen-2, Align-GVGD) all suggest that this variant is likely to be disruptive. In summary, the available evidence is currently insufficient to determine the role of this variant in disease. Therefore, it has been classified as a Variant of Uncertain Significance.

GeneDx
Classification: Uncertain significance. Last evaluated: 2019-08-22. Review status: criteria provided, single submitter. Criteria: GeneDx Variant Classification Process June 2021. Collection method: clinical testing. Allele origin: germline. Affected: yes.
Comment: Not observed in large population cohorts (Lek et al., 2016); In silico analysis, which includes protein predictors and evolutionary conservation, supports a deleterious effect; Has not been previously published as pathogenic or benign to our knowledge